The following is an entry in ClinVar:

NM_001040436.3(YARS2):c.304C>T (p.Gln102Ter)

Gene: YARS2 (tyrosyl-tRNA synthetase 2; minus strand). Cytogenetic location: 12p11.21.
Variant type: single nucleotide variant.
Coding change: c.304C>T on transcript NM_001040436.3 (MANE Select); coding-DNA position 304, C replaced by T.
Protein change: p.Gln102Ter; replaces glutamine 102 with a stop codon.
Molecular consequence: nonsense.
Genome position (GRCh38, 1-based): chr12:32,755,571, G>A on the plus strand (C>T on the coding strand, the complement: YARS2 is on the minus strand). VCF-style: chr12-32755571-G-A. GRCh37 (hg19) VCF-style: chr12-32908505-G-A.
Other names: short protein forms Q102*.
Identifiers: ClinVar variation 4726450 (VCV004726450.1).

ClinVar aggregate classification (germline): Pathogenic (1 of 4 stars; one submission).

Submission:

Labcorp Genetics (formerly Invitae), Labcorp
Classification: Pathogenic. Last evaluated: 2025-12-11. Review status: criteria provided, single submitter. Criteria: Invitae Variant Classification Sherloc (09022015). Collection method: clinical testing. Allele origin: germline.
Comment: This sequence change creates a premature translational stop signal (p.Gln102*) in the YARS2 gene. It is expected to result in an absent or disrupted protein product. Loss-of-function variants in YARS2 are known to be pathogenic (PMID: 20598274, 24344687, 25638461). This variant is present in population databases (rs778778334, gnomAD 0.003%). This variant has not been reported in the literature in individuals affected with YARS2-related conditions. For these reasons, this variant has been classified as Pathogenic.

Literature cited by the submitters: PubMed 20598274; PubMed 24344687; PubMed 25638461.